The following is an entry in ClinVar:

ClinVar aggregate classification (germline): Likely pathogenic (1 of 4 stars; one submission).

Submission:

Laboratorio de Genetica e Diagnostico Molecular, Hospital Israelita Albert Einstein
Classification: Likely pathogenic. Last evaluated: 2022-01-07. Review status: criteria provided, single submitter. Criteria: ACMG Guidelines, 2015. Collection method: clinical testing. Allele origin: germline. Affected: yes.
Comment: ACMG classification criteria: PVS1, PM2

NM_022455.5(NSD1):c.4759_4765+2del

Gene: NSD1 (nuclear receptor binding SET domain protein 1; plus strand). Cytogenetic location: 5q35.3.
Variant type: Deletion.
Coding change: c.4759_4765+2del on transcript NM_022455.5 (MANE Select); coding-DNA position 4759 through the canonical splice donor site of the intron after coding-DNA position 4765, 9 bases deleted (CGCACAGGT; older notation c.4759_4765+2delCGCACAGGT).
Molecular consequence: splice donor variant.
Genome position (GRCh38, 1-based): chr5:177,251,847-177,251,855, CGCACAGGT deleted; deleting any 9 consecutive bases within chr5:177,251,845-177,251,855 gives the same sequence; the c. name uses the placement nearest the transcript's 3' end. VCF-style (leftmost placement, unchanged base first): chr5-177251844-TGTCGCACAG-T. GRCh37 (hg19) VCF-style: chr5-176678845-TGTCGCACAG-T.
Other names: c.4757_4765del (NM_022455.5); c.4759_4765+2del (NM_001409301.1, NM_001409302.1, NM_001409303.1); c.4339_4345+2del (NM_001409304.1); c.4006_4012+2del (NM_001409305.1); c.3886_3892+2del (NM_001409306.1, NM_001409308.1, NM_001409307.1 and 3 more transcripts).
Identifiers: ClinVar variation 1690544 (VCV001690544.2), dbSNP rs2149904640, ClinGen allele CA2573139467.